The following is an entry in ClinVar:

ClinVar aggregate classification (germline): Uncertain significance (1 of 4 stars; one submission).

Conditions:
Cardiac arrhythmia. Also called: Arrhythmia; Cardiac rhythm disease. Identifiers: MedGen C0003811, MONDO:0007263, HP:0011675.

Submission:

Labcorp Genetics (formerly Invitae), Labcorp
Classification: Uncertain significance for Cardiac arrhythmia. Last evaluated: 2024-02-13. Review status: criteria provided, single submitter. Criteria: Invitae Variant Classification Sherloc (09022015). Collection method: clinical testing. Allele origin: germline.
Comment: This sequence change replaces aspartic acid, which is acidic and polar, with asparagine, which is neutral and polar, at codon 70 of the RANGRF protein (p.Asp70Asn). This variant is not present in population databases (gnomAD no frequency). This variant has not been reported in the literature in individuals affected with RANGRF-related conditions. An algorithm developed to predict the effect of missense changes on protein structure and function (PolyPhen-2) suggests that this variant is likely to be disruptive. In summary, the available evidence is currently insufficient to determine the role of this variant in disease. Therefore, it has been classified as a Variant of Uncertain Significance.

NM_016492.5(RANGRF):c.208G>A (p.Asp70Asn)

Genes: RANGRF (RAN guanine nucleotide release factor; plus strand), SLC25A35 (solute carrier family 25 member 35; minus strand). Cytogenetic location: 17p13.1.
Variant type: single nucleotide variant.
Coding change: c.208G>A on transcript NM_016492.5 (MANE Select); coding-DNA position 208, G replaced by A.
Protein change: p.Asp70Asn; replaces aspartic acid 70 with asparagine.
Molecular consequence: missense variant. On other transcripts: 3 prime UTR variant (2), non-coding transcript variant (2), intron variant (1).
Genome position (GRCh38, 1-based): chr17:8,289,271, G>A. VCF-style: chr17-8289271-G-A. GRCh37 (hg19) VCF-style: chr17-8192589-G-A.
Other names: c.208G>A, p.Asp70Asn (NM_001177801.2, NM_001177802.2, NM_001330127.2); c.*212C>T (NM_001320872.2); c.*345C>T (NM_201520.3); c.*42+303C>T (NM_001320871.2); short protein forms D70N.
Identifiers: ClinVar variation 3627634 (VCV003627634.2).